The following is an entry in ClinVar:

NM_012431.3(SEMA3E):c.1480A>T (p.Met494Leu)

Gene: SEMA3E (semaphorin 3E; minus strand). Cytogenetic location: 7q21.11.
Variant type: single nucleotide variant.
Coding change: c.1480A>T on transcript NM_012431.3 (MANE Select); coding-DNA position 1480, A replaced by T.
Protein change: p.Met494Leu; replaces methionine 494 with leucine.
Molecular consequence: missense variant.
Genome position (GRCh38, 1-based): chr7:83,394,317, T>A on the plus strand (A>T on the coding strand, the complement: SEMA3E is on the minus strand). VCF-style: chr7-83394317-T-A. GRCh37 (hg19) VCF-style: chr7-83023633-T-A.
Other names: c.1300A>T, p.Met434Leu (NM_001178129.2); short protein forms M434L, M494L.
Identifiers: ClinVar variation 1328664 (VCV001328664.3), dbSNP rs145819479, ClinGen allele CA367924301.

ClinVar aggregate classification (germline): Uncertain significance (1 of 4 stars; one submission).

Submission:

GeneDx
Classification: Uncertain significance. Last evaluated: 2022-10-18. Review status: criteria provided, single submitter. Criteria: GeneDx Variant Classification Process June 2021. Collection method: clinical testing. Allele origin: germline. Affected: yes.
Comment: Not observed in large population cohorts (gnomAD); In silico analysis supports that this missense variant does not alter protein structure/function; Has not been previously published as pathogenic or benign to our knowledge; Variants in candidate genes are classified as variants of uncertain significance in accordance with ACMG guidelines (Richards et al., 2015)